The following is an entry in ClinVar:

NM_000037.4(ANK1):c.3946C>T (p.Gln1316Ter)

Gene: ANK1 (ankyrin 1; minus strand). Cytogenetic location: 8p11.21.
Variant type: single nucleotide variant.
Coding change: c.3946C>T on transcript NM_000037.4 (MANE Select); coding-DNA position 3946, C replaced by T.
Protein change: p.Gln1316Ter; replaces glutamine 1316 with a stop codon.
Molecular consequence: nonsense.
Genome position (GRCh38, 1-based): chr8:41,690,512, G>A on the plus strand (C>T on the coding strand, the complement: ANK1 is on the minus strand). VCF-style: chr8-41690512-G-A. GRCh37 (hg19) VCF-style: chr8-41548030-G-A.
Other names: c.4069C>T, p.Gln1357Ter (NM_001142446.2); c.3946C>T, p.Gln1316Ter (NM_020475.3, NM_020476.3, NM_020477.3); short protein forms Q1357*, Q1316*.
Identifiers: ClinVar variation 2028613 (VCV002028613.4), dbSNP rs147901593, ClinGen allele CA371058304.
Genomic context (GRCh38, chr8:41,690,512, plus strand): 5'-CTCAGCCAGAGGGTGCCGGCACCTTTACAGGCATGGCCAGACGGTTCTCCCGAAATGACT[G>A]GAAGTGGAAGCTCCGCTGCTGGGCAGCTTTCTTCACAGGCACCAGGTTCCCAGAGAGTTC-3'

ClinVar aggregate classification (germline): Pathogenic (1 of 4 stars; one submission).

Submission:

Labcorp Genetics (formerly Invitae), Labcorp
Classification: Pathogenic. Last evaluated: 2022-09-02. Review status: criteria provided, single submitter. Criteria: Invitae Variant Classification Sherloc (09022015). Collection method: clinical testing. Allele origin: germline.
Comment: For these reasons, this variant has been classified as Pathogenic. This variant has not been reported in the literature in individuals affected with ANK1-related conditions. This variant is not present in population databases (gnomAD no frequency). This sequence change creates a premature translational stop signal (p.Gln1316*) in the ANK1 gene. It is expected to result in an absent or disrupted protein product. Loss-of-function variants in ANK1 are known to be pathogenic (PMID: 8640229).

Literature cited by the submitters: PubMed 8640229.